The following is an entry in ClinVar:

NM_183050.4(BCKDHB):c.743-17del

Gene: BCKDHB (branched chain keto acid dehydrogenase E1 subunit beta; plus strand). Cytogenetic location: 6q14.1.
Variant type: Deletion.
Coding change: c.743-17del on transcript NM_183050.4 (MANE Select); 17 bases into the intron before coding-DNA position 743, one base deleted (T; older notation c.743-17delT).
Molecular consequence: intron variant.
Genome position (GRCh38, 1-based): chr6:80,200,917, T deleted; the last of 12 consecutive T bases (chr6:80,200,906-80,200,917); deleting any one gives the same sequence. VCF-style (leftmost placement, unchanged base first): chr6-80200905-CT-C. GRCh37 (hg19) VCF-style: chr6-80910622-CT-C.
Other names: p.?; c.533-17del (NM_001318975.1); c.743-17del (NM_000056.5).
Identifiers: ClinVar variation 1224026 (VCV001224026.4), dbSNP rs374325532, ClinGen allele CA3902731.
Genomic context (GRCh38, chr6:80,200,905, plus strand): 5'-TTTGCTACAGTGAGCTTCTTAAATTATTTTATGCACAAGTGTCACCTCAGAAAAAATGTC[CT>C]TTTTTTTTTTTCCTGTTCTGTATTTAGCGGAAGAAGTCCCTATAGAACCATACAACATCC-3'

ClinVar aggregate classification (germline): Benign. Review status: criteria provided, multiple submitters, no conflicts (2 of 4 stars). 2 submissions from 2 submitters: Benign (2). Last evaluated 2023-08-24.

Submissions (2):

Mayo Clinic Laboratories, Mayo Clinic
Classification: Benign. Last evaluated: 2023-08-24. Review status: criteria provided, single submitter. Criteria: ACMG Guidelines, 2015. Collection method: clinical testing. Allele origin: germline. Observed: 6 variant alleles.
Comment: BA1

GeneDx
Classification: Benign. Last evaluated: 2021-05-14. Review status: criteria provided, single submitter. Criteria: GeneDx Variant Classification Process June 2021. Collection method: clinical testing. Allele origin: germline. Affected: yes.